The following is an entry in ClinVar:

ClinVar aggregate classification (germline): Uncertain significance (1 of 4 stars; one submission).

Conditions:
Hereditary cancer-predisposing syndrome. Also called: Neoplastic Syndromes, Hereditary; Tumor predisposition; Hereditary Cancer Syndrome; Hereditary neoplastic syndrome. Identifiers: Orphanet 140162, MedGen C0027672, MeSH D009386, MONDO:0015356.

Submission:

Ambry Genetics
Classification: Uncertain significance for Hereditary cancer-predisposing syndrome. Last evaluated: 2026-01-02. Review status: criteria provided, single submitter. Criteria: Ambry Variant Classification Scheme 2023. Collection method: clinical testing. Allele origin: germline.
Comment: The p.R17L variant (also known as c.50G>T), located in coding exon 1 of the SDHD gene, results from a G to T substitution at nucleotide position 50. The arginine at codon 17 is replaced by leucine, an amino acid with dissimilar properties. This variant was reported in individual(s) with features consistent with SDHD-related hereditary pheochromocytoma-paraganglioma (Lima J et al. J Clin Endocrinol Metab, 2007 Dec;92:4853-64; Bernardo-Casti&ntilde;eira C et al. Head Neck, 2019 Jan;41:79-91; Ambry internal data). This amino acid position is highly conserved in available vertebrate species. In addition, this alteration is predicted to be deleterious by in silico analysis. Based on the available evidence, the clinical significance of this variant remains unclear.

Literature cited by the submitters: PubMed 17848412; PubMed 23433498; PubMed 30549360.

NM_003002.4(SDHD):c.50G>T (p.Arg17Leu)

Genes: SDHD (succinate dehydrogenase complex subunit D; plus strand), LOC126861339 (BRD4-independent group 4 enhancer GRCh37_chr11:111957035-111958234; plus strand). Cytogenetic location: 11q23.1.
Variant type: single nucleotide variant.
Coding change: c.50G>T on transcript NM_003002.4 (MANE Select); coding-DNA position 50, G replaced by T.
Protein change: p.Arg17Leu; replaces arginine 17 with leucine.
Molecular consequence: missense variant. On other transcripts: non-coding transcript variant (1).
Genome position (GRCh38, 1-based): chr11:112,086,957, G>T. VCF-style: chr11-112086957-G-T. GRCh37 (hg19) VCF-style: chr11-111957681-G-T.
Other names: c.50G>T, p.Arg17Leu (NM_001276503.2, NM_001276504.2, NM_001276506.2); short protein forms R17L.
Identifiers: ClinVar variation 4843588 (VCV004843588.1).